The following is an entry in ClinVar:

ClinVar aggregate classification (germline): Conflicting classifications of pathogenicity. Review status: criteria provided, conflicting classifications (1 of 4 stars). 6 submissions from 6 submitters: Uncertain significance (4); Likely benign (2). Last evaluated 2025-11-13.

Conditions:
Autoinflammatory syndrome. Identifiers: Orphanet 93665, MedGen C3890737, MONDO:0019751.
TNF receptor-associated periodic fever syndrome (TRAPS) (FPF). Also called: Autosomal Dominant Familial Periodic Fever; TNF RECEPTOR-ASSOCIATED PERIODIC SYNDROME; TUMOR NECROSIS FACTOR RECEPTOR-ASSOCIATED PERIODIC SYNDROME; TNF receptor 1-associated periodic fever syndrome; TNF Receptor-Associated Periodic Fever Syndrome; FAMILIAL HIBERNIAN FEVER. Identifiers: Orphanet 32960, MedGen C1275126, MONDO:0007727, OMIM 142680.

Allele frequency attached by ClinVar (database versions not stated): gnomAD 0.00011; gnomAD exomes 0.00011; TOPMed 0.00011; ExAC 0.00015; 1000 Genomes Project 30x 0.00016; 1000 Genomes Project 0.00020.

Submissions (6):

Labcorp Genetics (formerly Invitae), Labcorp
Classification: Likely benign for TNF receptor-associated periodic fever syndrome (TRAPS). Last evaluated: 2025-11-13. Review status: criteria provided, single submitter. Criteria: Invitae Variant Classification Sherloc (09022015). Collection method: clinical testing. Allele origin: germline.

GeneDx
Classification: Uncertain significance. Last evaluated: 2024-12-09. Review status: criteria provided, single submitter. Criteria: GeneDx Variant Classification Process June 2021. Collection method: clinical testing. Allele origin: germline. Affected: yes.
Comment: Located in a region that tolerates variation and lacks pathogenic variants; In silico analysis supports that this missense variant has a deleterious effect on protein structure/function; Also known as p.(G414V); This variant is associated with the following publications: (PMID: 33284430)

Blueprint Genetics
Classification: Likely benign. Last evaluated: 2024-09-17. Review status: criteria provided, single submitter. Criteria: ACMG Guidelines, 2015. Collection method: clinical testing. Allele origin: germline.

ARUP Laboratories, Molecular Genetics and Genomics, ARUP Laboratories
Classification: Uncertain significance. Last evaluated: 2018-10-13. Review status: criteria provided, single submitter. Criteria: ARUP Molecular Germline Variant Investigation Process. Collection method: clinical testing. Allele origin: germline.
Comment: The TNFRSF1A c.1328G>T; p.Gly443Val variant (rs201062001), to our knowledge, is not reported in the medical literature or gene-specific databases. The variant is listed in the ClinVar database (Variation ID: 450261) and in the general population with an allele frequency of 0.01% (18/156966 alleles) in the Genome Aggregation Database. The glycine at this position is weakly conserved and computational analyses (SIFT:Damaging, PolyPhen-2:Benign) predict conflicting effects of this variant on protein structure/function. Additionally, there are no pathogenic variants described in this region of the protein (Lobito 2011). However, there is insufficient evidence to classify this variant with certainty. References: Lobito AA et al. Disease causing mutations in the TNF and TNFR superfamilies: Focus on molecular mechanisms driving disease. Trends Mol Med. 2011 Sep;17(9):494-505.

Illumina Laboratory Services, Illumina
Classification: Uncertain significance for TNF receptor-associated periodic fever syndrome (TRAPS). Last evaluated: 2018-01-13. Review status: criteria provided, single submitter. Criteria: ICSL Variant Classification Criteria 13 December 2019. Collection method: clinical testing. Allele origin: germline.

Genome Diagnostics Laboratory, The Hospital for Sick Children
Classification: Uncertain significance for Autoinflammatory syndrome. Last evaluated: 2016-12-22. Review status: criteria provided, single submitter. Criteria: ACMG Guidelines, 2015. Collection method: clinical testing. Allele origin: germline. Affected: yes.

NM_001065.4(TNFRSF1A):c.1328G>T (p.Gly443Val)

Gene: TNFRSF1A (TNF receptor superfamily member 1A; minus strand). Cytogenetic location: 12p13.31.
Variant type: single nucleotide variant.
Coding change: c.1328G>T on transcript NM_001065.4 (MANE Select); coding-DNA position 1328, G replaced by T.
Protein change: p.Gly443Val; replaces glycine 443 with valine.
Molecular consequence: missense variant. On other transcripts: non-coding transcript variant (1).
Genome position (GRCh38, 1-based): chr12:6,329,352, C>A on the plus strand (G>T on the coding strand, the complement: TNFRSF1A is on the minus strand). VCF-style: chr12-6329352-C-A. GRCh37 (hg19) VCF-style: chr12-6438518-C-A.
Other names: c.1004G>T, p.Gly335Val (NM_001346091.2); c.869G>T, p.Gly290Val (NM_001346092.2); short protein forms G443V, G290V, G335V.
Identifiers: ClinVar variation 450261 (VCV000450261.30), dbSNP rs201062001, ClinGen allele CA6405224.